The following is an entry in ClinVar:

ClinVar aggregate classification (germline): Conflicting classifications of pathogenicity. Review status: criteria provided, conflicting classifications (1 of 4 stars). 8 submissions from 8 submitters: Uncertain significance (1); Benign (2); Likely benign (5). Last evaluated 2026-07-01.

Conditions:
Cardiovascular phenotype. Identifiers: MedGen CN230736.
Cardiomyopathy (CMYO). Also called: Cardiomyopathies. Identifiers: Orphanet 167848, MedGen C0878544, MONDO:0004994, HP:0001638. Inheritance: Various modes of inheritance.
Dilated cardiomyopathy 1DD (CMD1DD). Identifiers: Orphanet 154, MedGen C2750995, MONDO:0013168, OMIM 613172.

Allele frequency attached by ClinVar (database versions not stated): gnomAD 0.00007; TOPMed 0.00012; gnomAD exomes 0.00022; ExAC 0.00043.
gnomAD v4.1: 147 of 1,551,424 alleles (0.0095%); highest among the groups gnomAD compares: Middle Eastern, 0.017%; no homozygotes.

Submissions (8):

CeGaT Center for Human Genetics Tuebingen
Classification: Likely benign. Last evaluated: 2026-07-01. Review status: criteria provided, single submitter. Criteria: CeGaT Center For Human Genetics Tuebingen Variant Classification Criteria Version 2. Collection method: clinical testing. Allele origin: germline. Affected: yes. Observed: 8 variant alleles.
Comment: RBM20: BP4, BP7

Labcorp Genetics (formerly Invitae), Labcorp
Classification: Likely benign for Dilated cardiomyopathy 1DD. Last evaluated: 2026-01-26. Review status: criteria provided, single submitter. Criteria: Invitae Variant Classification Sherloc (09022015). Collection method: clinical testing. Allele origin: germline.

Blueprint Genetics
Classification: Likely benign. Last evaluated: 2024-11-21. Review status: criteria provided, single submitter. Criteria: ACMG Guidelines, 2015. Collection method: clinical testing. Allele origin: germline.

Ambry Genetics
Classification: Likely benign for Cardiovascular phenotype. Last evaluated: 2020-08-06. Review status: criteria provided, single submitter. Criteria: Ambry Variant Classification Scheme 2023. Collection method: clinical testing. Allele origin: germline.

CHEO Genetics Diagnostic Laboratory, Children's Hospital of Eastern Ontario
Classification: Benign for Cardiomyopathy. Last evaluated: 2019-11-13. Review status: criteria provided, single submitter. Criteria: ACMG Guidelines, 2015. Collection method: clinical testing. Allele origin: germline.

Illumina Laboratory Services, Illumina
Classification: Uncertain significance for Dilated cardiomyopathy 1DD. Last evaluated: 2018-01-12. Review status: criteria provided, single submitter. Criteria: ICSL Variant Classification Criteria 13 December 2019. Collection method: clinical testing. Allele origin: germline.

GeneDx
Classification: Benign. Last evaluated: 2015-03-03. Review status: criteria provided, single submitter. Criteria: GeneDx Variant Classification Process June 2021. Collection method: clinical testing. Allele origin: germline. Affected: yes.

Laboratory for Molecular Medicine, Mass General Brigham Personalized Medicine
Classification: Likely benign. Last evaluated: 2014-04-10. Review status: criteria provided, single submitter. Criteria: LMM Criteria. Collection method: clinical testing. Allele origin: germline. Observed: 2 variant alleles.
Comment: Ser748Ser in exon 9 of RBM20: This variant is not expected to have clinical sign ificance because it does not alter an amino acid residue and is not located with the splice consensus sequence.

NM_001134363.3(RBM20):c.2244T>G (p.Ser748=)

Gene: RBM20 (RNA binding motif protein 20; plus strand). Cytogenetic location: 10q25.2.
Variant type: single nucleotide variant.
Coding change: c.2244T>G on transcript NM_001134363.3 (MANE Select); coding-DNA position 2244, T replaced by G.
Protein change: p.Ser748=; no amino-acid change (serine 748 retained).
Molecular consequence: synonymous variant.
Genome position (GRCh38, 1-based): chr10:110,812,641, T>G. VCF-style: chr10-110812641-T-G. GRCh37 (hg19) VCF-style: chr10-112572399-T-G.
Identifiers: ClinVar variation 165040 (VCV000165040.54), dbSNP rs727503388, ClinGen allele CA177698.